The following is an entry in ClinVar:

ClinVar aggregate classification (germline): Uncertain significance. Review status: criteria provided, multiple submitters, no conflicts (2 of 4 stars). 2 submissions from 2 submitters: Uncertain significance (2). Last evaluated 2025-08-09.

Conditions:
Inborn genetic diseases. Identifiers: MedGen C0950123, MeSH D030342.
Meckel-Gruber syndrome. Also called: DYSENCEPHALIA SPLANCHNOCYSTICA; GRUBER SYNDROME; Dysencephalia splachnocystica. Identifiers: Orphanet 564, MedGen C0265215, MONDO:0018921.
Joubert syndrome. Also called: CEREBELLOPARENCHYMAL DISORDER IV; JOUBERT-BOLTSHAUSER SYNDROME; Familial aplasia of the vermis. Identifiers: Orphanet 475, MedGen C5979921, MONDO:0018772.

Allele frequency attached by ClinVar (database versions not stated): gnomAD 0.00001; gnomAD exomes 0.00001; TOPMed 0.00003.
gnomAD v4.1: 24 of 1,614,032 alleles (0.0015%); highest among the groups gnomAD compares: Non-Finnish European, 0.0019%; no homozygotes.

Submissions (2):

Ambry Genetics
Classification: Uncertain significance for Inborn genetic diseases. Last evaluated: 2025-08-09. Review status: criteria provided, single submitter. Criteria: Ambry Variant Classification Scheme 2023. Collection method: clinical testing. Allele origin: germline.

Labcorp Genetics (formerly Invitae), Labcorp
Classification: Uncertain significance for Joubert syndrome; Meckel-Gruber syndrome. Last evaluated: 2022-07-20. Review status: criteria provided, single submitter. Criteria: Invitae Variant Classification Sherloc (09022015). Collection method: clinical testing. Allele origin: germline.
Comment: This variant has not been reported in the literature in individuals affected with TCTN2-related conditions. In summary, the available evidence is currently insufficient to determine the role of this variant in disease. Therefore, it has been classified as a Variant of Uncertain Significance. Algorithms developed to predict the effect of missense changes on protein structure and function are either unavailable or do not agree on the potential impact of this missense change (SIFT: "Tolerated"; PolyPhen-2: "Possibly Damaging"; Align-GVGD: "Class C0"). ClinVar contains an entry for this variant (Variation ID: 530902). This variant is present in population databases (no rsID available, gnomAD 0.0009%). This sequence change replaces aspartic acid, which is acidic and polar, with asparagine, which is neutral and polar, at codon 230 of the TCTN2 protein (p.Asp230Asn).

NM_024809.5(TCTN2):c.688G>A (p.Asp230Asn)

Gene: TCTN2 (tectonic family member 2; plus strand). Cytogenetic location: 12q24.31.
Variant type: single nucleotide variant.
Coding change: c.688G>A on transcript NM_024809.5 (MANE Select); coding-DNA position 688, G replaced by A.
Protein change: p.Asp230Asn; replaces aspartic acid 230 with asparagine.
Molecular consequence: missense variant.
Genome position (GRCh38, 1-based): chr12:123,686,959, G>A. VCF-style: chr12-123686959-G-A. GRCh37 (hg19) VCF-style: chr12-124171506-G-A.
Other names: c.685G>A, p.Asp229Asn (NM_001143850.3); c.688G>A (NM_024809.3); short protein forms D230N, D229N.
Identifiers: ClinVar variation 530902 (VCV000530902.9), dbSNP rs987899301, ClinGen allele CA245195553.